The following is an entry in ClinVar:

NM_001304438.2(TMEM132E):c.2893T>C (p.Cys965Arg)

Gene: TMEM132E (transmembrane protein 132E; plus strand). Cytogenetic location: 17q12.
Variant type: single nucleotide variant.
Coding change: c.2893T>C on transcript NM_001304438.2 (MANE Select); coding-DNA position 2893, T replaced by C.
Protein change: p.Cys965Arg; replaces cysteine 965 with arginine.
Molecular consequence: missense variant.
Genome position (GRCh38, 1-based): chr17:34,637,900, T>C. VCF-style: chr17-34637900-T-C. GRCh37 (hg19) VCF-style: chr17-32964919-T-C.
Other names: NM_207313.1:c.2623T>C; c.2893T>C (NM_001304438.1); short protein forms C965R.
Identifiers: ClinVar variation 1498096 (VCV001498096.10), dbSNP rs202178307, ClinGen allele CA8497055.

ClinVar aggregate classification (germline): Uncertain significance. Review status: criteria provided, multiple submitters, no conflicts (2 of 4 stars). 4 submissions from 4 submitters: Uncertain significance (3). 1 of the submissions does not count toward it. Last evaluated 2026-01-26.

Conditions:
TMEM132E-related disorder. Also called: TMEM132E-related condition.

Allele frequency attached by ClinVar (database versions not stated): ESP Exome Variant Server 0.00008; 1000 Genomes Project 30x 0.00016; gnomAD exomes 0.00017; ExAC 0.00022.
gnomAD v4.1: 273 of 1,606,160 alleles (0.017%); highest among the groups gnomAD compares: Non-Finnish European, 0.019%; 1 homozygote.

Submissions (4):

Labcorp Genetics (formerly Invitae), Labcorp
Classification: Uncertain significance. Last evaluated: 2026-01-26. Review status: criteria provided, single submitter. Criteria: Invitae Variant Classification Sherloc (09022015). Collection method: clinical testing. Allele origin: germline.
Comment: This sequence change replaces cysteine, which is neutral and slightly polar, with arginine, which is basic and polar, at codon 965 of the TMEM132E protein (p.Cys965Arg). This variant is present in population databases (rs202178307, gnomAD 0.05%). This variant has not been reported in the literature in individuals affected with TMEM132E-related conditions. ClinVar contains an entry for this variant (Variation ID: 1498096). Experimental studies and prediction algorithms are not available or were not evaluated, and the functional significance of this variant is currently unknown. In summary, the available evidence is currently insufficient to determine the role of this variant in disease. Therefore, it has been classified as a Variant of Uncertain Significance.

Ambry Genetics
Classification: Uncertain significance. Last evaluated: 2023-06-30. Review status: criteria provided, single submitter. Criteria: Ambry Variant Classification Scheme 2023. Collection method: clinical testing. Allele origin: germline.

Breakthrough Genomics
Classification: Uncertain significance. Review status: criteria provided, single submitter. Criteria: ACMG Guidelines, 2015. Collection method: not provided. Allele origin: germline. Inheritance: Autosomal recessive inheritance. Affected: yes.

PreventionGenetics, part of Exact Sciences
Classification: Uncertain significance for TMEM132E-related condition. Last evaluated: 2024-09-05. Review status: no assertion criteria provided. Collection method: clinical testing. Allele origin: germline. Not counted in ClinVar's aggregate classification.
Comment: The TMEM132E c.2893T>C variant is predicted to result in the amino acid substitution p.Cys965Arg. To our knowledge, this variant has not been reported in the literature. This variant is reported in 0.034% of alleles in individuals of European (Finnish) descent in gnomAD. At this time, the clinical significance of this variant is uncertain due to the absence of conclusive functional and genetic evidence.